The following is an entry in ClinVar:

NM_152564.5(VPS13B):c.11402A>G (p.His3801Arg)

Gene: VPS13B (vacuolar protein sorting 13 homolog B; plus strand). Cytogenetic location: 8q22.2.
Variant type: single nucleotide variant.
Coding change: c.11402A>G on transcript NM_152564.5 (MANE Select); coding-DNA position 11402, A replaced by G.
Protein change: p.His3801Arg; replaces histidine 3801 with arginine.
Molecular consequence: missense variant.
Genome position (GRCh38, 1-based): chr8:99,870,794, A>G. VCF-style: chr8-99870794-A-G. GRCh37 (hg19) VCF-style: chr8-100883022-A-G.
Other names: c.11477A>G, p.His3826Arg (NM_017890.5); short protein forms H3801R, H3826R.
Identifiers: ClinVar variation 4999796 (VCV004999796.1).

ClinVar aggregate classification (germline): Uncertain significance (1 of 4 stars; one submission).

Conditions:
VPS13B-related disorder. Also called: VPS13B-related condition.

Submission:

PreventionGenetics, part of Exact Sciences
Classification: Uncertain significance for VPS13B-related condition. Last evaluated: 2025-05-05. Review status: criteria provided, single submitter. Criteria: ACMG Guidelines, 2015. Collection method: clinical testing. Allele origin: germline.
Comment: The VPS13B c.11402A>G variant is predicted to result in the amino acid substitution p.His3801Arg. To our knowledge, this variant has not been reported in the literature or in a large population database (gnomAD), indicating this variant is rare. At this time, the clinical significance of this variant is uncertain due to the absence of conclusive functional and genetic evidence.